The following is an entry in ClinVar:

NM_001378687.1(ATP2C1):c.1998A>C (p.Thr666=)

Gene: ATP2C1 (ATPase secretory pathway Ca2+ transporting 1; plus strand). Cytogenetic location: 3q22.1.
Variant type: single nucleotide variant.
Coding change: c.1998A>C on transcript NM_001378687.1 (MANE Select); coding-DNA position 1998, A replaced by C.
Protein change: p.Thr666=; no amino-acid change (threonine 666 retained).
Molecular consequence: synonymous variant.
Genome position (GRCh38, 1-based): chr3:130,994,039, A>C. VCF-style: chr3-130994039-A-C. GRCh37 (hg19) VCF-style: chr3-130712883-A-C.
Other names: c.1998A>C, p.Thr666= (NM_001001485.3, NM_001001486.2, NM_001001487.2 and 5 more transcripts); c.2100A>C, p.Thr700= (NM_001199180.2, NM_001199181.3, NM_001378511.1); c.1983A>C, p.Thr661= (NM_001199182.2); c.1950A>C, p.Thr650= (NM_001199183.2, NM_001199184.3, NM_001378514.1).
Identifiers: ClinVar variation 4985459 (VCV004985459.1).

ClinVar aggregate classification (germline): Likely benign (1 of 4 stars; one submission).

Conditions:
ATP2C1-related disorder. Also called: ATP2C1-related condition.

Submission:

PreventionGenetics, part of Exact Sciences
Classification: Likely benign for ATP2C1-related condition. Last evaluated: 2025-08-20. Review status: criteria provided, single submitter. Criteria: ACMG Guidelines, 2015. Collection method: clinical testing. Allele origin: germline.
Comment: This variant is classified as likely benign based on ACMG/AMP sequence variant interpretation guidelines (Richards et al. 2015 PMID: 25741868, with internal and published modifications).